The following is an entry in ClinVar:

NM_024666.5(AAGAB):c.329T>C (p.Met110Thr)

Gene: AAGAB (alpha and gamma adaptin binding protein; minus strand). Cytogenetic location: 15q23.
Variant type: single nucleotide variant.
Coding change: c.329T>C on transcript NM_024666.5 (MANE Select); coding-DNA position 329, T replaced by C.
Protein change: p.Met110Thr; replaces methionine 110 with threonine.
Molecular consequence: missense variant. On other transcripts: initiator codon variant (2).
Genome position (GRCh38, 1-based): chr15:67,236,440, A>G on the plus strand (T>C on the coding strand, the complement: AAGAB is on the minus strand). VCF-style: chr15-67236440-A-G. GRCh37 (hg19) VCF-style: chr15-67528778-A-G.
Other names: c.2T>C, p.Met1Thr (NM_001271885.2, NM_001271886.2); short protein forms M110T, M1T.
Identifiers: ClinVar variation 4810404 (VCV004810404.1).

ClinVar aggregate classification (germline): Uncertain significance (1 of 4 stars; one submission).

Submission:

Labcorp Genetics (formerly Invitae), Labcorp
Classification: Uncertain significance. Last evaluated: 2025-07-03. Review status: criteria provided, single submitter. Criteria: Invitae Variant Classification Sherloc (09022015). Collection method: clinical testing. Allele origin: germline.
Comment: This sequence change replaces methionine, which is neutral and non-polar, with threonine, which is neutral and polar, at codon 110 of the AAGAB protein (p.Met110Thr). This variant is present in population databases (rs186662479, gnomAD 0.02%). This variant has not been reported in the literature in individuals affected with AAGAB-related conditions. An algorithm developed to predict the effect of missense changes on protein structure and function (PolyPhen-2) suggests that this variant is likely to be disruptive. In summary, the available evidence is currently insufficient to determine the role of this variant in disease. Therefore, it has been classified as a Variant of Uncertain Significance.